The following is an entry in ClinVar:

ClinVar aggregate classification (germline): Pathogenic/Likely pathogenic. Review status: criteria provided, multiple submitters, no conflicts (2 of 4 stars). 2 submissions from 2 submitters: Pathogenic (1); Likely pathogenic (1). Last evaluated 2024-12-13.

Conditions:
Cardiovascular phenotype. Identifiers: MedGen CN230736.
Hypertrophic cardiomyopathy. Also called: HYPERTROPHIC MYOCARDIOPATHY. Identifiers: Orphanet 217569, MedGen C0007194, MeSH D002312, MONDO:0005045, HP:0001639.

Submissions (2):

Ambry Genetics
Classification: Pathogenic for Cardiovascular phenotype. Last evaluated: 2024-12-13. Review status: criteria provided, single submitter. Criteria: Ambry Variant Classification Scheme 2023. Collection method: clinical testing. Allele origin: germline.
Comment: The c.1091-2A>G intronic pathogenic mutation results from an A to G substitution two nucleotides before coding exon 13 in the MYBPC3 gene. This variant (also referred to as Int12ASA-2G) was identified in one or more individuals with features consistent with hypertrophic cardiomyopathy and segregated with disease in at least one family (Bos JM et al. Mayo Clin Proc, 2014 Jun;89:727-37; Niimura H et al. N Engl J Med, 1998 Apr;338:1248-57). This variant was also reported to result in aberrant splicing; however, experimental data was not provided (Niimura H et al. N Engl J Med, 1998 Apr;338:1248-57). This variant is considered to be rare based on population cohorts in the Genome Aggregation Database (gnomAD). This nucleotide position is highly conserved in available vertebrate species. In silico splice site analysis predicts that this alteration will weaken the native splice acceptor site and will result in the creation or strengthening of a novel splice acceptor site. In addition to the clinical data presented in the literature, alterations that disrupt the canonical splice site are expected to cause aberrant splicing, resulting in an abnormal protein or a transcript that is subject to nonsense-mediated mRNA decay. As such, this alteration is classified as a disease-causing mutation.

Labcorp Genetics (formerly Invitae), Labcorp
Classification: Likely pathogenic for Hypertrophic cardiomyopathy. Last evaluated: 2024-11-04. Review status: criteria provided, single submitter. Criteria: Invitae Variant Classification Sherloc (09022015). Collection method: clinical testing. Allele origin: germline.
Comment: This sequence change affects an acceptor splice site in intron 12 of the MYBPC3 gene. It is expected to disrupt RNA splicing. Variants that disrupt the donor or acceptor splice site typically lead to a loss of protein function (PMID: 16199547), and loss-of-function variants in MYBPC3 are known to be pathogenic (PMID: 19574547). This variant is not present in population databases (gnomAD no frequency). Disruption of this splice site has been observed in individual(s) with hypertrophic cardiomyopathy (PMID: 20624503, 24793961). ClinVar contains an entry for this variant (Variation ID: 1506519). Algorithms developed to predict the effect of sequence changes on RNA splicing suggest that this variant may disrupt the consensus splice site. In summary, the currently available evidence indicates that the variant is pathogenic, but additional data are needed to prove that conclusively. Therefore, this variant has been classified as Likely Pathogenic.

Literature cited by the submitters: PubMed 24793961 (cited by Ambry Genetics and Labcorp Genetics (formerly Invitae), Labcorp); PubMed 9562578 (cited by Ambry Genetics); PubMed 16199547 (cited by Labcorp Genetics (formerly Invitae), Labcorp); PubMed 19574547 (cited by Labcorp Genetics (formerly Invitae), Labcorp); PubMed 20624503 (cited by Labcorp Genetics (formerly Invitae), Labcorp).

NM_000256.3(MYBPC3):c.1091-2A>G

Gene: MYBPC3 (myosin binding protein C3; minus strand). Cytogenetic location: 11p11.2.
Variant type: single nucleotide variant.
Coding change: c.1091-2A>G on transcript NM_000256.3 (MANE Select); the canonical splice acceptor site of the intron before coding-DNA position 1091, A replaced by G.
Molecular consequence: splice acceptor variant.
Genome position (GRCh38, 1-based): chr11:47,343,626, T>C on the plus strand (A>G on the coding strand, the complement: MYBPC3 is on the minus strand). VCF-style: chr11-47343626-T-C. GRCh37 (hg19) VCF-style: chr11-47365177-T-C.
Identifiers: ClinVar variation 1506519 (VCV001506519.9), dbSNP rs2142862326, ClinGen allele CA380329583.